The following is an entry in ClinVar:

ClinVar aggregate classification (germline): Uncertain significance (1 of 4 stars; one submission).

Conditions:
Hereditary cancer-predisposing syndrome. Also called: Hereditary Cancer Syndrome; Hereditary neoplastic syndrome; Tumor predisposition; Neoplastic Syndromes, Hereditary. Identifiers: Orphanet 140162, MedGen C0027672, MeSH D009386, MONDO:0015356.

Submission:

Ambry Genetics
Classification: Uncertain significance for Hereditary cancer-predisposing syndrome. Last evaluated: 2021-09-01. Review status: criteria provided, single submitter. Criteria: Ambry Variant Classification Scheme 2023. Collection method: clinical testing. Allele origin: germline.
Comment: The p.A780D variant (also known as c.2339C>A), located in coding exon 4 of the MSH6 gene, results from a C to A substitution at nucleotide position 2339. The alanine at codon 780 is replaced by aspartic acid, an amino acid with dissimilar properties. This amino acid position is highly conserved in available vertebrate species. In addition, this alteration is predicted to be deleterious by in silico analysis. Since supporting evidence is limited at this time, the clinical significance of this alteration remains unclear.

NM_000179.3(MSH6):c.2339C>A (p.Ala780Asp)

Gene: MSH6 (mutS homolog 6; plus strand). Cytogenetic location: 2p16.3.
Variant type: single nucleotide variant.
Coding change: c.2339C>A on transcript NM_000179.3 (MANE Select); coding-DNA position 2339, C replaced by A.
Protein change: p.Ala780Asp; replaces alanine 780 with aspartic acid.
Molecular consequence: missense variant.
Genome position (GRCh38, 1-based): chr2:47,800,322, C>A. VCF-style: chr2-47800322-C-A. GRCh37 (hg19) VCF-style: chr2-48027461-C-A.
Other names: c.2042C>A, p.Ala681Asp (NM_001406828.1, NM_001406797.1, NM_001406805.1 and 10 more transcripts); c.2339C>A, p.Ala780Asp (NM_001406798.1, NM_001406800.1, NM_001406808.1 and 2 more transcripts); c.1814C>A, p.Ala605Asp (NM_001406799.1, NM_001406807.1, NM_001406806.1); c.1433C>A, p.Ala478Asp (NM_001406829.1, NM_001406823.1, NM_001281493.2 and 6 more transcripts); c.2435C>A, p.Ala812Asp (NM_001406802.1, NM_001406795.1); c.2261C>A, p.Ala754Asp (NM_001406804.1); c.2171C>A, p.Ala724Asp (NM_001406826.1); c.1949C>A, p.Ala650Asp (NM_001281492.2); and 1 more; short protein forms A605D, A724D, A782D, A650D, A754D, A812D, A478D, A681D.
Identifiers: ClinVar variation 1789811 (VCV001789811.2), dbSNP rs63749899, ClinGen allele CA346753432.
Genomic context (GRCh38, chr2:47,800,322, plus strand): 5'-AGAGGGTTGATACTTGCCATACTCCTTTTGGTAAGCGGCTCCTAAAGCAATGGCTTTGTG[C>A]CCCACTCTGTAACCATTATGCTATTAATGATCGTCTAGATGCCATAGAAGACCTCATGGT-3'
Protein context (NP_000170.1, residues 770-790): GKRLLKQWLC[Ala780Asp]PLCNHYAIND